The following is an entry in ClinVar:

NM_000030.3(AGXT):c.481G>A (p.Gly161Ser)

Gene: AGXT (alanine--glyoxylate aminotransferase; plus strand). Cytogenetic location: 2q37.3.
Variant type: single nucleotide variant.
Coding change: c.481G>A on transcript NM_000030.3 (MANE Select); coding-DNA position 481, G replaced by A.
Protein change: p.Gly161Ser; replaces glycine 161 with serine.
Molecular consequence: missense variant.
Genome position (GRCh38, 1-based): chr2:240,871,406, G>A. VCF-style: chr2-240871406-G-A. GRCh37 (hg19) VCF-style: chr2-241810823-G-A.
Other names: short protein forms G161S.
Identifiers: ClinVar variation 204105 (VCV000204105.18), dbSNP rs180177227, ClinGen allele CA275698.

ClinVar aggregate classification (germline): Pathogenic. Review status: criteria provided, multiple submitters, no conflicts (2 of 4 stars). 7 submissions from 7 submitters: Pathogenic (4). 3 of the submissions do not count toward it. Last evaluated 2025-02-17.

Conditions:
Nephrocalcinosis. Also called: Hypercalcemic nephropathy. Identifiers: MedGen C0027709, MONDO:0001567, HP:0000121.
Kidney stone. Also called: Nephrolithiasis. Identifiers: MedGen C0392525, MONDO:0008171, HP:0000787.
Primary hyperoxaluria. Identifiers: Orphanet 416, MedGen C0020501, MONDO:0002474.
Primary hyperoxaluria, type I (HP1). Also called: GLYCOLIC ACIDURIA; HEPATIC AGT DEFICIENCY; OXALOSIS I; Primary hyperoxaluria type 1. Identifiers: Orphanet 416, Orphanet 93598, MedGen C0268164, MONDO:0009823, OMIM 259900. Disease mechanism: loss of function.

Allele frequency attached by ClinVar (database versions not stated): TOPMed 0.00001; ExAC 0.00006.
gnomAD v4.1: 18 of 1,600,490 alleles (0.0011%); highest among the groups gnomAD compares: East Asian, 0.0045%; no homozygotes.

Submissions (7):

Natera, Inc.
Classification: Pathogenic for Primary hyperoxaluria type I. Last evaluated: 2025-02-17. Review status: criteria provided, single submitter. Criteria: Natera Variant Classification Schema (03/2026). Collection method: clinical testing. Allele origin: germline.
Comment: The c.481G>A variant in AGXT is a missense variant predicted to cause substitution of glycine to serine at amino acid 161. This variant is rare in the general population with a frequency below the threshold expected for the associated phenotype(s). This variant has been observed in one or more individuals affected with the associated recessive disease, as either homozygous or compound heterozygous with a second variant (PMID: 17460142, 23940605, 25629080, 28893421). Functional studies show that this variant may disrupt protein function (PMID: 24055001). Computational prediction algorithms indicate this variant is likely to affect gene or protein function. Given the available evidence, this variant is classified as Pathogenic.

Fulgent Genetics
Classification: Pathogenic for Primary hyperoxaluria, type I. Last evaluated: 2024-06-23. Review status: criteria provided, single submitter. Criteria: ACMG Guidelines, 2015. Collection method: clinical testing. Allele origin: germline.

Labcorp Genetics (formerly Invitae), Labcorp
Classification: Pathogenic. Last evaluated: 2023-10-12. Review status: criteria provided, single submitter. Criteria: Invitae Variant Classification Sherloc (09022015). Collection method: clinical testing. Allele origin: germline.
Comment: This sequence change replaces glycine, which is neutral and non-polar, with serine, which is neutral and polar, at codon 161 of the AGXT protein (p.Gly161Ser). The frequency data for this variant in the population databases is considered unreliable, as metrics indicate poor data quality at this position in the gnomAD database. This missense change has been observed in individuals with primary hyperoxaluria type 1 (PMID: 17460142, 25629080, 28893421). ClinVar contains an entry for this variant (Variation ID: 204105). Advanced modeling of protein sequence and biophysical properties (such as structural, functional, and spatial information, amino acid conservation, physicochemical variation, residue mobility, and thermodynamic stability) performed at Invitae indicates that this missense variant is not expected to disrupt AGXT protein function. Experimental studies have shown that this missense change affects AGXT function (PMID: 24055001). This variant disrupts the p.Gly161 amino acid residue in AGXT. Other variant(s) that disrupt this residue have been determined to be pathogenic (PMID: 25629080; Invitae). This suggests that this residue is clinically significant, and that variants that disrupt this residue are likely to be disease-causing. For these reasons, this variant has been classified as Pathogenic.

Women's Health and Genetics/Laboratory Corporation of America, LabCorp
Classification: Pathogenic for Primary hyperoxaluria. Last evaluated: 2023-03-14. Review status: criteria provided, single submitter. Criteria: LabCorp Variant Classification Summary - May 2015. Collection method: clinical testing. Allele origin: germline.
Comment: Variant summary: AGXT c.481G>A (p.Gly161Ser) results in a non-conservative amino acid change located in the Aminotransferase class V domain (IPR000192) of the encoded protein sequence. Three variants, namely p.Gly161Arg/Ser/Cys affecting this residue have been reported among PH1 patients: p.G161R on the major allele and p.G161S and p.G161C on the minor allele. These mutations are predicted to interfere with AGT folding promoting protein aggregation (reviewed in Mandrile_2023). Five of five in-silico tools predict a damaging effect of the variant on protein function. The variant allele was found at a frequency of 1.8e-05 in 226372 control chromosomes. c.481G>A has been reported in the literature as biallelic homozygous or compound heterozygous genotypes in individuals affected with Primary Hyperoxaluria Type 1 (example, Daga_2018, Williams_2015). These data indicate that the variant is likely to be associated with disease. Three clinical diagnostic laboratories have submitted clinical-significance assessments for this variant to ClinVar after 2014 without evidence for independent evaluation. All laboratories classified the variant as pathogenic/likely pathogenic. Based on the evidence outlined above, the variant was classified as pathogenic.

Chinese Inherited Urolithiasis Consortium, The Affiliated Yantai Yuhuangding Hospital of Qingdao University
Classification: Pathogenic for Primary hyperoxaluria, type I. Last evaluated: 2024-08-26. Review status: no assertion criteria provided. Collection method: clinical testing. Allele origin: paternal. Affected: yes. Observed: 1 variant allele. Not counted in ClinVar's aggregate classification.

Yale Center for Mendelian Genomics, Yale University
Classification: Likely pathogenic for Nephrolithiasis; Nephrocalcinosis. Last evaluated: 2017-09-08. Review status: no assertion criteria provided. Collection method: literature only. Allele origin: germline. Affected: yes. Observed: 1 homozygote. Not counted in ClinVar's aggregate classification.

Clinical Biochemistry Laboratory, Health Services Laboratory
Classification: Pathogenic for Primary hyperoxaluria, type I. Last evaluated: 2014-11-27. Review status: no assertion criteria provided. Collection method: in vitro. Allele origin: germline. Affected: yes. Not counted in ClinVar's aggregate classification.

Literature cited by the submitters: PubMed 17460142 (cited by Natera, Inc. and Labcorp Genetics (formerly Invitae), Labcorp); PubMed 23940605 (cited by Natera, Inc.); PubMed 25629080 (cited by 3 submitters); PubMed 28893421 (cited by 4 submitters); PubMed 24055001 (cited by 4 submitters); PubMed 19479957 (cited by Women's Health and Genetics/Laboratory Corporation of America, LabCorp); PubMed 35695965 (cited by Women's Health and Genetics/Laboratory Corporation of America, LabCorp); PubMed 17495019 (cited by Clinical Biochemistry Laboratory, Health Services Laboratory); PubMed 24718375 (cited by Clinical Biochemistry Laboratory, Health Services Laboratory).